The following is an entry in ClinVar:

ClinVar aggregate classification (germline): Uncertain significance (1 of 4 stars; one submission).

Conditions:
Compton-North congenital myopathy (CMYO12). Identifiers: Orphanet 210163, MedGen C2675527, MONDO:0012929, OMIM 612540.

gnomAD v4.1: 1 of 1,612,726 alleles (0.000062%); highest among the groups gnomAD compares: Non-Finnish European, 0.000085%; no homozygotes.

Submission:

Labcorp Genetics (formerly Invitae), Labcorp
Classification: Uncertain significance for Compton-North congenital myopathy. Last evaluated: 2018-06-26. Review status: criteria provided, single submitter. Criteria: Invitae Variant Classification Sherloc (09022015). Collection method: clinical testing. Allele origin: germline.
Comment: In summary, the available evidence is currently insufficient to determine the role of this variant in disease. Therefore, it has been classified as a Variant of Uncertain Significance. Algorithms developed to predict the effect of missense changes on protein structure and function (SIFT, PolyPhen-2, Align-GVGD) all suggest that this variant is likely to be tolerated, but these predictions have not been confirmed by published functional studies and their clinical significance is uncertain. This variant has not been reported in the literature in individuals with CNTN1-related disease. This variant is not present in population databases (ExAC no frequency). This sequence change replaces isoleucine with valine at codon 307 of the CNTN1 protein (p.Ile307Val). The isoleucine residue is weakly conserved and there is a small physicochemical difference between isoleucine and valine.

NM_001843.4(CNTN1):c.919A>G (p.Ile307Val)

Gene: CNTN1 (contactin 1; plus strand). Cytogenetic location: 12q12.
Variant type: single nucleotide variant.
Coding change: c.919A>G on transcript NM_001843.4 (MANE Select); coding-DNA position 919, A replaced by G.
Protein change: p.Ile307Val; replaces isoleucine 307 with valine.
Molecular consequence: missense variant.
Genome position (GRCh38, 1-based): chr12:40,933,812, A>G. VCF-style: chr12-40933812-A-G. GRCh37 (hg19) VCF-style: chr12-41327614-A-G.
Other names: c.919A>G, p.Ile307Val (NM_001256063.2, NM_001256064.2); c.886A>G, p.Ile296Val (NM_175038.2); short protein forms I307V, I296V.
Identifiers: ClinVar variation 566552 (VCV000566552.9), dbSNP rs756830197, ClinGen allele CA384423390.
Genomic context (GRCh38, chr12:40,933,812, plus strand): 5'-GAGATTAGCACCTCTGGGGCTGTTCTTAAGATCTTCAATATTCAGCTAGAAGATGAAGGC[A>G]TCTATGAATGTGAGGCTGAGAACATTAGAGGAAAGGATAAACATCAAGCAAGAATTTATG-3'
Protein context (NP_001834.2, residues 297-317): IFNIQLEDEG[Ile307Val]YECEAENIRG